The following is an entry in ClinVar:

ClinVar aggregate classification (germline): Pathogenic (0 of 4 stars; one submission).

Conditions:
Severe intellectual disability-poor language-strabismus-grimacing face-long fingers syndrome (GAND). Also called: GAND SYNDROME. Identifiers: Orphanet 363686, MedGen C3554448, MONDO:0014034, OMIM 615074.

Submission:

Laboratory of Medical Genetics and Molecular Biology, University Hospital Lozenetz
Classification: Pathogenic for Severe intellectual disability-poor language-strabismus-grimacing face-long fingers syndrome. Last evaluated: 2025-10-08. Review status: no assertion criteria provided. Collection method: clinical testing. Allele origin: de novo. Inheritance: Autosomal dominant inheritance. Affected: yes. Observed: 1 variant allele, 1 heterozygote.
Comment: Classified as Pathogenic based on following criteria: The variant is a loss-of-function (LOF) nonsense allele in the 8th exon (7th of 10 coding) of the GATAD2B gene; expected to result in premature transcript degradation (NMD); Variants of this type are a known disease-causing mechanism (93 LOF-type pathological variants in the GATAD2B gene are known, of which 13 are in this exon) [PVS1_Very_strong]. The population frequency of the variant GATAD2B (NM_020699.4):c.1414G>T is extremely low – not reported in the gnomAD v4.1.0 database; [PM2_Moderate]. [PP4_Supporting]

NM_020699.4(GATAD2B):c.1414G>T (p.Glu472Ter)

Gene: GATAD2B (GATA zinc finger domain containing 2B; minus strand). Cytogenetic location: 1q21.3.
Variant type: single nucleotide variant.
Coding change: c.1414G>T on transcript NM_020699.4 (MANE Select); coding-DNA position 1414, G replaced by T.
Protein change: p.Glu472Ter; replaces glutamic acid 472 with a stop codon.
Molecular consequence: nonsense.
Genome position (GRCh38, 1-based): chr1:153,813,255, C>A on the plus strand (G>T on the coding strand, the complement: GATAD2B is on the minus strand). VCF-style: chr1-153813255-C-A. GRCh37 (hg19) VCF-style: chr1-153785731-C-A.
Other names: short protein forms E472*.
Identifiers: ClinVar variation 4857698 (VCV004857698.1).
Genomic context (GRCh38, chr1:153,813,255, plus strand): 5'-CCCTTTGGAAAAAACAAACTGGGACAGGTGGCCAGTGAGCAGTCAGAATTCTTACCTGTT[C>A]CTGCTGTAGGGCTTTCACAAATGCATTTTTCAGCCGGTTGGTGTGTTCAGCTTTTAGAGC-3'